The following is an entry in ClinVar:

ClinVar aggregate classification (germline): Uncertain significance. Review status: criteria provided, multiple submitters, no conflicts (2 of 4 stars). 2 submissions from 2 submitters: Uncertain significance (2). Last evaluated 2025-01-21.

Submissions (2):

Ambry Genetics
Classification: Uncertain significance. Last evaluated: 2025-01-21. Review status: criteria provided, single submitter. Criteria: Ambry Variant Classification Scheme 2023. Collection method: clinical testing. Allele origin: germline.

Labcorp Genetics (formerly Invitae), Labcorp
Classification: Uncertain significance. Last evaluated: 2022-11-02. Review status: criteria provided, single submitter. Criteria: Invitae Variant Classification Sherloc (09022015). Collection method: clinical testing. Allele origin: germline.
Comment: This variant is not present in population databases (gnomAD no frequency). This sequence change replaces alanine, which is neutral and non-polar, with threonine, which is neutral and polar, at codon 75 of the LIPT2 protein (p.Ala75Thr). This variant has not been reported in the literature in individuals affected with LIPT2-related conditions. Algorithms developed to predict the effect of missense changes on protein structure and function output the following: SIFT: "Not Available"; PolyPhen-2: "Benign"; Align-GVGD: "Not Available". The threonine amino acid residue is found in multiple mammalian species, which suggests that this missense change does not adversely affect protein function. In summary, the available evidence is currently insufficient to determine the role of this variant in disease. Therefore, it has been classified as a Variant of Uncertain Significance.

NM_001144869.3(LIPT2):c.223G>A (p.Ala75Thr)

Genes: LIPT2 (lipoyl(octanoyl) transferase 2; minus strand), LIPT2-AS1 (LIPT2 antisense RNA 1; plus strand). Cytogenetic location: 11q13.4.
Variant type: single nucleotide variant.
Coding change: c.223G>A on transcript NM_001144869.3 (MANE Select); coding-DNA position 223, G replaced by A.
Protein change: p.Ala75Thr; replaces alanine 75 with threonine.
Molecular consequence: missense variant. On other transcripts: non-coding transcript variant (1).
Genome position (GRCh38, 1-based): chr11:74,493,481, C>T on the plus strand (G>A on the coding strand, the complement: LIPT2 is on the minus strand). VCF-style: chr11-74493481-C-T. GRCh37 (hg19) VCF-style: chr11-74204526-C-T.
Other names: c.223G>A, p.Ala75Thr (NM_001329941.2, NM_001329942.2); c.223G>A (NM_001144869.1); short protein forms A75T.
Identifiers: ClinVar variation 2128833 (VCV002128833.5), dbSNP rs1165335204, ClinGen allele CA381976820.
Genomic context (GRCh38, chr11:74,493,481, plus strand): 5'-CCGGGCCGTGGAAGGTGGCCAGGCCACCGCGGCCTGTGACGCGCACCTCGGCGCCCAAGG[C>T]CCGTAGCCGCGCAGTTTCCTCGGGCGTCAGGCCGCCGCGCAGCCCGGCCGTATACACGGG-3'
Protein context (NP_001138341.1, residues 65-85): LTPEETARLR[Ala75Thr]LGAEVRVTGR